The following is an entry in ClinVar:

ClinVar aggregate classification (germline): Uncertain significance (0 of 4 stars; one submission).

Conditions:
XPO5-related disorder. Also called: XPO5-related condition.

gnomAD v4.1: 87 of 1,612,376 alleles (0.0054%); highest among the groups gnomAD compares: African/African-American, 0.008%; no homozygotes.

Submission:

PreventionGenetics, part of Exact Sciences
Classification: Uncertain significance for XPO5-related condition. Last evaluated: 2024-03-08. Review status: no assertion criteria provided. Collection method: clinical testing. Allele origin: germline.
Comment: The XPO5 c.1156C>T variant is predicted to result in the amino acid substitution p.Arg386Cys. To our knowledge, this variant has not been reported in the literature. This variant is reported in 0.0084% of alleles in individuals of African descent in gnomAD. At this time, the clinical significance of this variant is uncertain due to the absence of conclusive functional and genetic evidence.

NM_020750.3(XPO5):c.1156C>T (p.Arg386Cys)

Genes: POLR1C (RNA polymerase I and III subunit C; plus strand), XPO5 (exportin 5; minus strand). Cytogenetic location: 6p21.1.
Variant type: single nucleotide variant.
Coding change: c.1156C>T on transcript NM_020750.3 (MANE Select); coding-DNA position 1156, C replaced by T.
Protein change: p.Arg386Cys; replaces arginine 386 with cysteine.
Molecular consequence: missense variant. On other transcripts: non-coding transcript variant (1), intron variant (1).
Genome position (GRCh38, 1-based): chr6:43,560,243, G>A on the plus strand (C>T on the coding strand, the complement: XPO5 is on the minus strand). VCF-style: chr6-43560243-G-A. GRCh37 (hg19) VCF-style: chr6-43527980-G-A.
Other names: c.*43-1157G>A (NM_001363658.2); short protein forms R386C.
Identifiers: ClinVar variation 3351754 (VCV003351754.1).